The following is an entry in ClinVar:

ClinVar aggregate classification (germline): Conflicting classifications of pathogenicity. Review status: criteria provided, conflicting classifications (1 of 4 stars). 5 submissions from 5 submitters: Uncertain significance (2); Likely benign (1). 2 of the submissions do not count toward it. Last evaluated 2025-05-07.

Conditions:
Inborn genetic diseases. Identifiers: MedGen C0950123, MeSH D030342.
Intellectual developmental disorder, X-linked 1. Also called: MENTAL RETARDATION, X-LINKED 18; MENTAL RETARDATION, X-LINKED 78; Atkin Flaitz Patil Smith syndrome; Intellectual disability, X-linked 1. Identifiers: Orphanet 777, MedGen C2931498, MONDO:0010656, OMIM 309530.

Allele frequency attached by ClinVar (database versions not stated): gnomAD exomes 0.00003; TOPMed 0.00003.
gnomAD v4.1: 34 of 1,156,125 alleles (0.0029%); highest among the groups gnomAD compares: Non-Finnish European, 0.0033%; no homozygotes.

Submissions (5):

Labcorp Genetics (formerly Invitae), Labcorp
Classification: Likely benign for Intellectual developmental disorder, X-linked 1. Last evaluated: 2025-05-07. Review status: criteria provided, single submitter. Criteria: Invitae Variant Classification Sherloc (09022015). Collection method: clinical testing. Allele origin: germline.

Eurofins Ntd Llc (ga)
Classification: Uncertain significance. Last evaluated: 2018-08-28. Review status: criteria provided, single submitter. Criteria: EGL ClinVar v180209 classification definitions. Collection method: clinical testing. Allele origin: germline. Observed: 2 variant alleles, 1 heterozygote, 1 hemizygote.

Ambry Genetics
Classification: Uncertain significance for Inborn genetic diseases. Last evaluated: 2018-01-16. Review status: criteria provided, single submitter. Criteria: Ambry Variant Classification Scheme 2023. Collection method: clinical testing. Allele origin: germline.
Comment: The p.G187D variant (also known as c.560G>A), located in coding exon 1 of the IQSEC2 gene, results from a G to A substitution at nucleotide position 560. The glycine at codon 187 is replaced by aspartic acid, an amino acid with similar properties. This amino acid position is well conserved in available vertebrate species. In addition, this alteration is predicted to be tolerated by in silico analysis. Since supporting evidence is limited at this time, the clinical significance of this alteration remains unclear.

Clinical Genetics DNA and cytogenetics Diagnostics Lab, Erasmus MC, Erasmus Medical Center
Classification: Uncertain significance. Review status: no assertion criteria provided. Collection method: clinical testing. Allele origin: germline. Affected: yes. Study: VKGL Data-share Consensus. Not counted in ClinVar's aggregate classification.

Laboratory of Diagnostic Genome Analysis, Leiden University Medical Center (LUMC)
Classification: Uncertain significance. Review status: no assertion criteria provided. Collection method: clinical testing. Allele origin: germline. Affected: yes. Study: VKGL Data-share Consensus. Not counted in ClinVar's aggregate classification.

NM_001111125.3(IQSEC2):c.560G>A (p.Gly187Asp)

Gene: IQSEC2 (IQ motif and Sec7 domain ArfGEF 2; minus strand). Cytogenetic location: Xp11.22.
Variant type: single nucleotide variant.
Coding change: c.560G>A on transcript NM_001111125.3 (MANE Select); coding-DNA position 560, G replaced by A.
Protein change: p.Gly187Asp; replaces glycine 187 with aspartic acid.
Molecular consequence: missense variant.
Genome position (GRCh38, 1-based): chrX:53,320,564, C>T on the plus strand (G>A on the coding strand, the complement: IQSEC2 is on the minus strand). VCF-style: chrX-53320564-C-T. GRCh37 (hg19) VCF-style: chrX-53349762-C-T.
Other names: short protein forms G187D.
Identifiers: ClinVar variation 289596 (VCV000289596.19), dbSNP rs886044891, ClinGen allele CA10606493.